The following is an entry in ClinVar:

ClinVar aggregate classification (germline): Likely pathogenic (1 of 4 stars; one submission).

Conditions:
Polyglandular autoimmune syndrome, type 1 (APS1). Also called: PGA I; Autoimmune polyendocrinopathy syndrome , type I, with or without reversible metaphyseal dysplasia; AUTOIMMUNE POLYENDOCRINE SYNDROME, TYPE I, WITH OR WITHOUT REVERSIBLE METAPHYSEAL DYSPLASIA; APS I; Whitaker syndrome; HYPOADRENOCORTICISM WITH HYPOPARATHYROIDISM AND SUPERFICIAL MONILIASIS. Identifiers: Orphanet 3453, MedGen C0085859, MONDO:0009411, OMIM 240300.

Submission:

Natera, Inc.
Classification: Likely pathogenic for Polyglandular autoimmune syndrome type 1. Last evaluated: 2024-12-14. Review status: criteria provided, single submitter. Criteria: Natera Variant Classification Schema (03/2026). Collection method: clinical testing. Allele origin: germline.
Comment: The c.1103del variant in AIRE is a frameshift variant predicted to shift the reading frame beginning at codon 368 and leads to a stop codon 10 codons downstream. This variant is expected to result in nonsense mediated decay, truncation, or a dysfunctional protein product. This variant is rare in the general population with a frequency below the threshold expected for the associated phenotype(s). Given the available evidence, this variant is classified as Likely Pathogenic.

NM_000383.4(AIRE):c.1103del (p.Pro368fs)

Gene: AIRE (autoimmune regulator; plus strand). Cytogenetic location: 21q22.3.
Variant type: Deletion.
Coding change: c.1103del on transcript NM_000383.4 (MANE Select); coding-DNA position 1103, one base deleted (C; older notation c.1103delC).
Protein change: p.Pro368fs; shifts the reading frame from proline 368.
Molecular consequence: frameshift variant.
Genome position (GRCh38, 1-based): chr21:44,293,000, C deleted; the last of 6 consecutive C bases (chr21:44,292,995-44,293,000); deleting any one gives the same sequence. VCF-style (leftmost placement, unchanged base first): chr21-44292994-TC-T. GRCh37 (hg19) VCF-style: chr21-45712877-TC-T.
Other names: short protein forms P368fs.
Identifiers: ClinVar variation 4818286 (VCV004818286.1).
Genomic context (GRCh38, chr21:44,292,994, plus strand): 5'-TCCTGGGTGGTGCCGGGCAGGCGCCCGCTGCCCCTCTGATGCTGACCCTTGGGTTCCAGC[TC>T]CCCCCGGGGCTTAGGTCGGCGGGAGAGGAGGTAAGAGGTCCACCTGGGGAACCCCTAGCC-3'